The following is an entry in ClinVar:

NM_001289125.3(IFNAR2):c.1354C>T (p.His452Tyr)

Genes: IFNAR2 (interferon alpha and beta receptor subunit 2; plus strand), IFNAR2-IL10RB (IFNAR2-IL10RB readthrough; plus strand). Cytogenetic location: 21q22.11.
Variant type: single nucleotide variant.
Coding change: c.1354C>T on transcript NM_001289125.3 (MANE Select); coding-DNA position 1354, C replaced by T.
Protein change: p.His452Tyr; replaces histidine 452 with tyrosine.
Molecular consequence: missense variant. On other transcripts: 3 prime UTR variant (5), intron variant (1).
Genome position (GRCh38, 1-based): chr21:33,263,306, C>T. VCF-style: chr21-33263306-C-T. GRCh37 (hg19) VCF-style: chr21-34635611-C-T.
Other names: c.*590C>T (NM_000874.5, NM_207584.3); c.*503C>T (NM_001289126.2, NM_001289128.2); c.*729C>T (NM_001385054.1); c.1354C>T, p.His452Tyr (NM_207585.3); c.1318+36C>T (NM_001385055.1); c.1354C>T (NM_207585.1); short protein forms H452Y.
Identifiers: ClinVar variation 1389384 (VCV001389384.6), dbSNP rs369040448, ClinGen allele CA10005973.

ClinVar aggregate classification (germline): Uncertain significance. Review status: criteria provided, multiple submitters, no conflicts (2 of 4 stars). 2 submissions from 2 submitters: Uncertain significance (2). Last evaluated 2025-08-04.

Allele frequency attached by ClinVar (database versions not stated): gnomAD exomes 0.00003 and 0.00010; ESP Exome Variant Server 0.00015; ExAC 0.00016; gnomAD 0.00026 and 0.00029; TOPMed 0.00031; 1000 Genomes Project 0.00060; 1000 Genomes Project 30x 0.00062.
gnomAD v4.1: 88 of 1,614,182 alleles (0.0055%); highest among the groups gnomAD compares: African/African-American, 0.08%; no homozygotes.

Submissions (2):

Ambry Genetics
Classification: Uncertain significance. Last evaluated: 2025-08-04. Review status: criteria provided, single submitter. Criteria: Ambry Variant Classification Scheme 2023. Collection method: clinical testing. Allele origin: germline.

Labcorp Genetics (formerly Invitae), Labcorp
Classification: Uncertain significance. Last evaluated: 2022-08-19. Review status: criteria provided, single submitter. Criteria: Invitae Variant Classification Sherloc (09022015). Collection method: clinical testing. Allele origin: germline.
Comment: This sequence change replaces histidine, which is basic and polar, with tyrosine, which is neutral and polar, at codon 452 of the IFNAR2 protein (p.His452Tyr). This variant is present in population databases (rs369040448, gnomAD 0.1%). This variant has not been reported in the literature in individuals affected with IFNAR2-related conditions. ClinVar contains an entry for this variant (Variation ID: 1389384). Algorithms developed to predict the effect of missense changes on protein structure and function (SIFT, PolyPhen-2, Align-GVGD) all suggest that this variant is likely to be tolerated. In summary, the available evidence is currently insufficient to determine the role of this variant in disease. Therefore, it has been classified as a Variant of Uncertain Significance.